The following is an entry in ClinVar:

NM_022455.5(NSD1):c.2665C>T (p.Leu889Phe)

Gene: NSD1 (nuclear receptor binding SET domain protein 1; plus strand). Cytogenetic location: 5q35.3.
Variant type: single nucleotide variant.
Coding change: c.2665C>T on transcript NM_022455.5 (MANE Select); coding-DNA position 2665, C replaced by T.
Protein change: p.Leu889Phe; replaces leucine 889 with phenylalanine.
Molecular consequence: missense variant.
Genome position (GRCh38, 1-based): chr5:177,211,064, C>T. VCF-style: chr5-177211064-C-T. GRCh37 (hg19) VCF-style: chr5-176638065-C-T.
Other names: c.1792C>T, p.Leu598Phe (NM_172349.5, NM_001365684.2, NM_001409306.1 and 3 more transcripts); c.2665C>T, p.Leu889Phe (NM_001409301.1, NM_001409302.1, NM_001409303.1); c.2245C>T, p.Leu749Phe (NM_001409304.1); c.1912C>T, p.Leu638Phe (NM_001409305.1); short protein forms L749F, L889F, L598F, L638F.
Identifiers: ClinVar variation 3671529 (VCV003671529.2).

ClinVar aggregate classification (germline): Uncertain significance (1 of 4 stars; one submission).

Submission:

Labcorp Genetics (formerly Invitae), Labcorp
Classification: Uncertain significance. Last evaluated: 2024-08-21. Review status: criteria provided, single submitter. Criteria: Invitae Variant Classification Sherloc (09022015). Collection method: clinical testing. Allele origin: germline.
Comment: This sequence change replaces leucine, which is neutral and non-polar, with phenylalanine, which is neutral and non-polar, at codon 889 of the NSD1 protein (p.Leu889Phe). This variant is not present in population databases (gnomAD no frequency). This variant has not been reported in the literature in individuals affected with NSD1-related conditions. Invitae Evidence Modeling of protein sequence and biophysical properties (such as structural, functional, and spatial information, amino acid conservation, physicochemical variation, residue mobility, and thermodynamic stability) has been performed for this missense variant. However, the output from this modeling did not meet the statistical confidence thresholds required to predict the impact of this variant on NSD1 protein function. In summary, the available evidence is currently insufficient to determine the role of this variant in disease. Therefore, it has been classified as a Variant of Uncertain Significance.